The following is an entry in ClinVar:

NM_004698.4(PRPF3):c.1760-12C>T

Gene: PRPF3 (pre-mRNA processing factor 3; plus strand). Cytogenetic location: 1q21.2.
Variant type: single nucleotide variant.
Coding change: c.1760-12C>T on transcript NM_004698.4 (MANE Select); 12 bases into the intron before coding-DNA position 1760, C replaced by T.
Molecular consequence: intron variant.
Genome position (GRCh38, 1-based): chr1:150,346,396, C>T. VCF-style: chr1-150346396-C-T. GRCh37 (hg19) VCF-style: chr1-150318872-C-T.
Other names: c.1355-12C>T (NM_001350529.1).
Identifiers: ClinVar variation 292503 (VCV000292503.16), dbSNP rs116427288, ClinGen allele CA1075696.

ClinVar aggregate classification (germline): Benign/Likely benign. Review status: criteria provided, multiple submitters, no conflicts (2 of 4 stars). 4 submissions from 4 submitters: Benign (3); Likely benign (1). Last evaluated 2026-01-22.

Conditions:
Retinitis pigmentosa (RP). Identifiers: Orphanet 791, MedGen C0035334, MeSH D012174, MONDO:0019200, OMIM 268000. Inheritance: Autosomal dominant, autosomal recessive and X linked inheritance.
Retinitis pigmentosa 18 (RP18). Also called: PRPF 3-Related Retinitis Pigmentosa. Identifiers: Orphanet 791, MedGen C1832378, MONDO:0011075, OMIM 601414.

Allele frequency attached by ClinVar (database versions not stated): gnomAD exomes 0.00192 and 0.00536; ExAC 0.00683; gnomAD 0.02040 and 0.02182; TOPMed 0.02323; 1000 Genomes Project 0.02496; ESP Exome Variant Server 0.02522; 1000 Genomes Project 30x 0.02795.
gnomAD v4.1: 6,037 of 1,611,644 alleles (0.37%); highest among the groups gnomAD compares: African/African-American, 7.3%; 220 homozygotes.

Submissions (4):

Labcorp Genetics (formerly Invitae), Labcorp
Classification: Benign. Last evaluated: 2026-01-22. Review status: criteria provided, single submitter. Criteria: Invitae Variant Classification Sherloc (09022015). Collection method: clinical testing. Allele origin: germline.

Fulgent Genetics
Classification: Likely benign for Retinitis pigmentosa 18. Last evaluated: 2022-04-04. Review status: criteria provided, single submitter. Criteria: ACMG Guidelines, 2015. Collection method: clinical testing. Allele origin: unknown.

GeneDx
Classification: Benign. Last evaluated: 2021-05-04. Review status: criteria provided, single submitter. Criteria: GeneDx Variant Classification Process June 2021. Collection method: clinical testing. Allele origin: germline. Affected: yes.

Illumina Laboratory Services, Illumina
Classification: Benign for Retinitis pigmentosa. Last evaluated: 2018-01-13. Review status: criteria provided, single submitter. Criteria: ICSL Variant Classification Criteria 13 December 2019. Collection method: clinical testing. Allele origin: germline.
Comment: This variant was observed in the ICSL laboratory as part of a predisposition screen in an ostensibly healthy population. It had not been previously curated by ICSL or reported in the Human Gene Mutation Database (HGMD: prior to June 1st, 2018), and was therefore a candidate for classification through an automated scoring system. Utilizing variant allele frequency, disease prevalence and penetrance estimates, and inheritance mode, an automated score was calculated to assess if this variant is too frequent to cause the disease. Based on the score and internal cut-off values, a variant classified as benign is not then subjected to further curation. The score for this variant resulted in a classification of benign for this disease.